The following is an entry in ClinVar:

NM_001009944.3(PKD1):c.6660del (p.Leu2221fs)

Gene: PKD1 (polycystin 1, transient receptor potential channel interacting; minus strand). Cytogenetic location: 16p13.3.
Variant type: Deletion.
Coding change: c.6660del on transcript NM_001009944.3 (MANE Select); coding-DNA position 6660, one base deleted (G; older notation c.6660delG).
Protein change: p.Leu2221fs; shifts the reading frame from leucine 2221.
Molecular consequence: frameshift variant.
Genome position (GRCh38, 1-based): chr16:2,108,507, C deleted on the plus strand (G on the coding strand, the reverse complement: PKD1 is on the minus strand); the first of 2 consecutive C bases (chr16:2,108,507-2,108,508); deleting either gives the same sequence. VCF-style (leftmost placement, unchanged base first): chr16-2108506-GC-G. GRCh37 (hg19) VCF-style: chr16-2158507-GC-G.
Other names: c.6660del, p.Leu2221fs (NM_000296.4); short protein forms L2221fs.
Identifiers: ClinVar variation 3235219 (VCV003235219.1), dbSNP rs2544801350.

ClinVar aggregate classification (germline): Pathogenic (1 of 4 stars; one submission).

Conditions:
Polycystic kidney disease, adult type (PKD1). Also called: Polycystic Kidney Disease 1, Autosomal Dominant; Polycystic kidney disease 1; Polycystic kidney disease 1, severe; Polycystic Kidney, Autosomal Dominant; POLYCYSTIC KIDNEY DISEASE 1 WITH OR WITHOUT POLYCYSTIC LIVER DISEASE; POLYCYSTIC KIDNEY DISEASE, ADULT, TYPE I. Identifiers: MedGen C3149841, MONDO:0008263, OMIM 173900.

Submission:

MVZ Medizinische Genetik Mainz
Classification: Pathogenic for Polycystic kidney disease, adult type. Last evaluated: 2022-10-12. Review status: criteria provided, single submitter. Criteria: UK Practice Guidelines For Variant Classification V4 01 2020. Collection method: clinical testing. Allele origin: germline. Inheritance: Autosomal dominant inheritance. Affected: yes. Observed: 2 variant alleles.
Comment: ACMG Criteria: PVS1, PM2_SUP, PP4 (ACMG Version 4)